The following is an entry in ClinVar:

ClinVar aggregate classification (germline): Uncertain significance. Review status: criteria provided, multiple submitters, no conflicts (2 of 4 stars). 4 submissions from 4 submitters: Uncertain significance (4). Last evaluated 2025-12-21.

Conditions:
Hereditary nonpolyposis colorectal neoplasms. Identifiers: MedGen C0009405, MeSH D003123.
Hereditary cancer-predisposing syndrome. Also called: Tumor predisposition; Hereditary neoplastic syndrome; Neoplastic Syndromes, Hereditary; Hereditary Cancer Syndrome. Identifiers: Orphanet 140162, MedGen C0027672, MeSH D009386, MONDO:0015356.

Allele frequency attached by ClinVar (database versions not stated): TOPMed 0.00005.

Submissions (4):

Ambry Genetics
Classification: Uncertain significance for Hereditary cancer-predisposing syndrome. Last evaluated: 2025-12-21. Review status: criteria provided, single submitter. Criteria: Ambry Variant Classification Scheme 2023. Collection method: clinical testing. Allele origin: germline.
Comment: The p.P66Q variant (also known as c.197C>A), located in coding exon 1 of the MSH6 gene, results from a C to A substitution at nucleotide position 197. The proline at codon 66 is replaced by glutamine, an amino acid with similar properties. This amino acid position is not well conserved in available vertebrate species. In addition, this alteration is predicted to be tolerated by in silico analysis. Since supporting evidence is limited at this time, the clinical significance of this alteration remains unclear.

Color Diagnostics, LLC DBA Color Health
Classification: Uncertain significance for Hereditary cancer-predisposing syndrome. Last evaluated: 2025-09-05. Review status: criteria provided, single submitter. Criteria: ACMG Guidelines, 2015. Collection method: clinical testing. Allele origin: germline.
Comment: This missense variant replaces proline with glutamine at codon 66 of the MSH6 protein. Computational prediction suggests that this variant may not impact protein structure and function. To our knowledge, functional studies have not been reported for this variant. This variant has not been reported in individuals affected with MSH6-related disorders in the literature. This variant has not been identified in the general population by the Genome Aggregation Database (gnomAD). The available evidence is insufficient to determine the role of this variant in disease conclusively. Therefore, this variant is classified as a Variant of Uncertain Significance.

Labcorp Genetics (formerly Invitae), Labcorp
Classification: Uncertain significance for Hereditary nonpolyposis colorectal neoplasms. Last evaluated: 2025-04-21. Review status: criteria provided, single submitter. Criteria: Invitae Variant Classification Sherloc (09022015). Collection method: clinical testing. Allele origin: germline.
Comment: This sequence change replaces proline, which is neutral and non-polar, with glutamine, which is neutral and polar, at codon 66 of the MSH6 protein (p.Pro66Gln). This variant is not present in population databases (gnomAD no frequency). This variant has not been reported in the literature in individuals affected with MSH6-related conditions. ClinVar contains an entry for this variant (Variation ID: 182655). Invitae Evidence Modeling of protein sequence and biophysical properties (such as structural, functional, and spatial information, amino acid conservation, physicochemical variation, residue mobility, and thermodynamic stability) indicates that this missense variant is not expected to disrupt MSH6 protein function with a negative predictive value of 95%. In summary, the available evidence is currently insufficient to determine the role of this variant in disease. Therefore, it has been classified as a Variant of Uncertain Significance.

GeneDx
Classification: Uncertain significance. Last evaluated: 2014-08-21. Review status: criteria provided, single submitter. Criteria: GeneDx Variant Classification (06012015). Collection method: clinical testing. Allele origin: germline. Affected: yes.
Comment: This variant is denoted MSH6 c.197C>A at the cDNA level, p.Pro66Gln (P66Q) at the protein level, and results in the change of a Proline to a Glutamine (CCG>CAG). This variant has not, to our knowledge, been published in the literature as pathogenic or benign. MSH6 Pro66Gln was not observed in approximately 6,500 individuals of European and African American ancestry in the NHLBI Exome Sequencing Project, indicating it is not a common benign variant in these populations. Since Proline and Glutamine differ in polarity, charge, size or other properties, this is considered a non-conservative amino acid substitution. MSH6 Pro66Gln occurs at a position that is variable across species and is not located in a known functional domain. In silico analyses predict that this variant is unlikely to alter protein structure or function. Based on currently available information, it is unclear whether MSH6 Pro66Gln is pathogenic or benign. We consider it to be a variant of uncertain significance.

NM_000179.3(MSH6):c.197C>A (p.Pro66Gln)

Gene: MSH6 (mutS homolog 6; plus strand). Cytogenetic location: 2p16.3.
Variant type: single nucleotide variant.
Coding change: c.197C>A on transcript NM_000179.3 (MANE Select); coding-DNA position 197, C replaced by A.
Protein change: p.Pro66Gln; replaces proline 66 with glutamine.
Molecular consequence: missense variant. On other transcripts: 5 prime UTR variant (1).
Genome position (GRCh38, 1-based): chr2:47,783,430, C>A. VCF-style: chr2-47783430-C-A. GRCh37 (hg19) VCF-style: chr2-48010569-C-A.
Other names: p.P66Q:CCG>CAG; c.197C>A, p.Pro66Gln (NM_001281492.2); c.-540C>A (NM_001281493.2); short protein forms P66Q.
Identifiers: ClinVar variation 182655 (VCV000182655.18), dbSNP rs730881812, ClinGen allele CA009510.